The following is an entry in ClinVar:

ClinVar aggregate classification (germline): Uncertain significance (1 of 4 stars; one submission).

Conditions:
Neurodevelopmental disorder with central hypotonia and dysmorphic facies (NEDCHF). Identifiers: MedGen C5676944, MONDO:0859232, OMIM 619797.

Submission:

Clinical Genomics Laboratory, Washington University in St. Louis
Classification: Uncertain significance for Neurodevelopmental disorder with central hypotonia and dysmorphic facies. Last evaluated: 2025-11-29. Review status: criteria provided, single submitter. Criteria: ACMG Guidelines, 2015. Collection method: clinical testing. Allele origin: germline.
Comment: The HDAC4 c.2126G>A (p.Arg709His) variant, to our knowledge, has not been reported in the medical literature. This variant is only observed in 2/31,400 alleles in the general population (gnomAD v.2.1.1), indicating it is not a common variant. Computational predictors indicate that the variant is damaging, evidence that correlates with impact to HDAC4 function. Due to limited information, and based on ACMG/AMP guidelines for variant interpretation (Richards S et al., PMID: 25741868), the clinical significance of this variant is uncertain at this time.

NM_001378414.1(HDAC4):c.2126G>A (p.Arg709His)

Gene: HDAC4 (histone deacetylase 4; minus strand). Cytogenetic location: 2q37.3.
Variant type: single nucleotide variant.
Coding change: c.2126G>A on transcript NM_001378414.1 (MANE Select); coding-DNA position 2126, G replaced by A.
Protein change: p.Arg709His; replaces arginine 709 with histidine.
Molecular consequence: missense variant.
Genome position (GRCh38, 1-based): chr2:239,102,883, C>T on the plus strand (G>A on the coding strand, the complement: HDAC4 is on the minus strand). VCF-style: chr2-239102883-C-T. GRCh37 (hg19) VCF-style: chr2-240024579-C-T.
Other names: c.2126G>A, p.Arg709His (NM_001378415.1); c.2111G>A, p.Arg704His (NM_001378416.1, NM_001378417.1, NM_001435996.1 and 1 more transcripts); c.2045G>A, p.Arg682His (NM_001435991.1, NM_001435992.1, NM_001435994.1); c.1967G>A, p.Arg656His (NM_001435993.1); c.2030G>A, p.Arg677His (NM_001435998.1); short protein forms R656H, R677H, R682H, R704H, R709H.
Identifiers: ClinVar variation 4879308 (VCV004879308.1).